The following is an entry in ClinVar:

NM_001370658.1(BTD):c.399+33G>A

Gene: BTD (biotinidase; plus strand). Cytogenetic location: 3p25.1.
Variant type: single nucleotide variant.
Coding change: c.399+33G>A on transcript NM_001370658.1 (MANE Select); 33 bases into the intron after coding-DNA position 399, G replaced by A.
Molecular consequence: intron variant. On other transcripts: synonymous variant (13).
Genome position (GRCh38, 1-based): chr3:15,642,090, G>A. VCF-style: chr3-15642090-G-A. GRCh37 (hg19) VCF-style: chr3-15683597-G-A.
Other names: c.492G>A (NM_001281726.1); c.399+33G>A (NM_001407400.1, NM_001407380.1, NM_001407366.1 and 24 more transcripts); c.432G>A, p.Arg144= (NM_001281726.3, NM_001407382.1, NM_001407383.1 and 9 more transcripts); c.495G>A, p.Arg165= (NM_001407381.1).
Identifiers: ClinVar variation 2653601 (VCV002653601.26), dbSNP rs201408641, ClinGen allele CA2277319.
Genomic context (GRCh38, chr3:15,642,090, plus strand): 5'-GGAGCCTCACCGCTTCAATGACACAGAGGTGATTCCTGCCTTTTTCCTCAGTAGGCTGAG[G>A]GTACACAGAGGTGATCTAAGTCAGGGACCAGAAGCTGTGACATGTTAACTAAGATTGATA-3'

ClinVar aggregate classification (germline): Likely benign. Review status: criteria provided, multiple submitters, no conflicts (2 of 4 stars). 3 submissions from 3 submitters: Likely benign (3). Last evaluated 2026-09-01.

Conditions:
BTD-related disorder. Also called: BTD-related condition.

Allele frequency attached by ClinVar (database versions not stated): ESP Exome Variant Server 0.00015; 1000 Genomes Project 30x 0.00016; 1000 Genomes Project 0.00020; gnomAD 0.00045; ExAC 0.00047; TOPMed 0.00047; gnomAD exomes 0.00085.
gnomAD v4.1: 1,302 of 1,612,588 alleles (0.081%); highest among the groups gnomAD compares: Middle Eastern, 0.13%; no homozygotes.

Submissions (3):

CeGaT Center for Human Genetics Tuebingen
Classification: Likely benign. Last evaluated: 2026-09-01. Review status: criteria provided, single submitter. Criteria: CeGaT Center For Human Genetics Tuebingen Variant Classification Criteria Version 2. Collection method: clinical testing. Allele origin: germline. Affected: yes. Observed: 6 variant alleles.
Comment: BTD: BP4, BP7

Blueprint Genetics
Classification: Likely benign. Last evaluated: 2024-10-25. Review status: criteria provided, single submitter. Criteria: ACMG Guidelines, 2015. Collection method: clinical testing. Allele origin: germline.

PreventionGenetics, part of Exact Sciences
Classification: Likely benign for BTD-related condition. Last evaluated: 2024-10-22. Review status: criteria provided, single submitter. Criteria: ACMG Guidelines, 2015. Collection method: clinical testing. Allele origin: germline.
Comment: This variant is classified as likely benign based on ACMG/AMP sequence variant interpretation guidelines (Richards et al. 2015 PMID: 25741868, with internal and published modifications).